The following is an entry in ClinVar:

NM_021095.4(SLC5A6):c.1363-5G>A

Gene: SLC5A6 (solute carrier family 5 member 6; minus strand). Cytogenetic location: 2p23.3.
Variant type: single nucleotide variant.
Coding change: c.1363-5G>A on transcript NM_021095.4 (MANE Select); 5 bases into the intron before coding-DNA position 1363, G replaced by A.
Molecular consequence: intron variant.
Genome position (GRCh38, 1-based): chr2:27,201,852, C>T on the plus strand (G>A on the coding strand, the complement: SLC5A6 is on the minus strand). VCF-style: chr2-27201852-C-T. GRCh37 (hg19) VCF-style: chr2-27424720-C-T.
Identifiers: ClinVar variation 4983902 (VCV004983902.1).
Genomic context (GRCh38, chr2:27,201,852, plus strand): 5'-CCGATGCCAATCCAGAAGGCCATGACGAGCCCAGCCAACAGGCCCACAACAGCACCCTGC[C>T]GAGACACAGTGCAGGCCTGTCACAAGGCCAGTCCTGCCAGCCCTCACGGCAGTCCTCAGC-3'

ClinVar aggregate classification (germline): Uncertain significance (1 of 4 stars; one submission).

Conditions:
SLC5A6-related disorder.

gnomAD v4.1: 29 of 1,613,622 alleles (0.0018%); highest among the groups gnomAD compares: East Asian, 0.0067%; no homozygotes.

Submission:

PreventionGenetics, part of Exact Sciences
Classification: Uncertain significance for SLC5A6-related condition. Last evaluated: 2026-08-25. Review status: criteria provided, single submitter. Criteria: ACMG Guidelines, 2015. Collection method: clinical testing. Allele origin: germline.
Comment: The SLC5A6 c.1363-5G>A variant is predicted to interfere with splicing. To our knowledge, this variant has not been reported in the literature. This variant is reported in 0.0031% of alleles in individuals of European (Non-Finnish) descent in gnomAD. At this time, the clinical significance of this variant is uncertain due to the absence of conclusive functional and genetic evidence.